The following is an entry in ClinVar:

ClinVar aggregate classification (germline): Likely benign (0 of 4 stars; one submission).

Conditions:
ESRP1-related disorder. Also called: ESRP1-related condition.

Allele frequency attached by ClinVar (database versions not stated): gnomAD exomes 0.00003; ExAC 0.00016; gnomAD 0.00042; TOPMed 0.00046; ESP Exome Variant Server 0.00049; 1000 Genomes Project 0.00120; 1000 Genomes Project 30x 0.00141.
gnomAD v4.1: 112 of 1,613,774 alleles (0.0069%); highest among the groups gnomAD compares: African/African-American, 0.14%; no homozygotes.

Submission:

PreventionGenetics, part of Exact Sciences
Classification: Likely benign for ESRP1-related condition. Last evaluated: 2019-04-29. Review status: no assertion criteria provided. Collection method: clinical testing. Allele origin: germline.
Comment: This variant is classified as likely benign based on ACMG/AMP sequence variant interpretation guidelines (Richards et al. 2015 PMID: 25741868, with internal and published modifications).

NM_017697.4(ESRP1):c.303G>A (p.Gly101=)

Gene: ESRP1 (epithelial splicing regulatory protein 1; plus strand). Cytogenetic location: 8q22.1.
Variant type: single nucleotide variant.
Coding change: c.303G>A on transcript NM_017697.4 (MANE Select); coding-DNA position 303, G replaced by A.
Protein change: p.Gly101=; no amino-acid change (glycine 101 retained).
Molecular consequence: synonymous variant.
Genome position (GRCh38, 1-based): chr8:94,643,344, G>A. VCF-style: chr8-94643344-G-A. GRCh37 (hg19) VCF-style: chr8-95655572-G-A.
Other names: c.303G>A, p.Gly101= (NM_001034915.3, NM_001122825.2, NM_001122826.2 and 1 more transcripts).
Identifiers: ClinVar variation 3056033 (VCV003056033.2), dbSNP rs137914711, ClinGen allele CA4811983.